The following is an entry in ClinVar:

NM_002067.5(GNA11):c.929T>C (p.Leu310Pro)

Gene: GNA11 (G protein subunit alpha 11; plus strand). Cytogenetic location: 19p13.3.
Variant type: single nucleotide variant.
Coding change: c.929T>C on transcript NM_002067.5 (MANE Select); coding-DNA position 929, T replaced by C.
Protein change: p.Leu310Pro; replaces leucine 310 with proline.
Molecular consequence: missense variant.
Genome position (GRCh38, 1-based): chr19:3,121,028, T>C. VCF-style: chr19-3121028-T-C. GRCh37 (hg19) VCF-style: chr19-3121026-T-C.
Other names: short protein forms L310P.
Identifiers: ClinVar variation 4744381 (VCV004744381.1).

ClinVar aggregate classification (germline): Uncertain significance (1 of 4 stars; one submission).

Submission:

Labcorp Genetics (formerly Invitae), Labcorp
Classification: Uncertain significance. Last evaluated: 2025-04-21. Review status: criteria provided, single submitter. Criteria: Invitae Variant Classification Sherloc (09022015). Collection method: clinical testing. Allele origin: germline.
Comment: This sequence change replaces leucine, which is neutral and non-polar, with proline, which is neutral and non-polar, at codon 310 of the GNA11 protein (p.Leu310Pro). This variant is present in population databases (rs767110044, gnomAD 0.01%). This variant has not been reported in the literature in individuals affected with GNA11-related conditions. Invitae Evidence Modeling of protein sequence and biophysical properties (such as structural, functional, and spatial information, amino acid conservation, physicochemical variation, residue mobility, and thermodynamic stability) indicates that this missense variant is expected to disrupt GNA11 protein function with a positive predictive value of 80%. In summary, the available evidence is currently insufficient to determine the role of this variant in disease. Therefore, it has been classified as a Variant of Uncertain Significance.